The following is an entry in ClinVar:

ClinVar aggregate classification (germline): Uncertain significance (1 of 4 stars; one submission).

Submission:

Labcorp Genetics (formerly Invitae), Labcorp
Classification: Uncertain significance. Last evaluated: 2022-05-20. Review status: criteria provided, single submitter. Criteria: Invitae Variant Classification Sherloc (09022015). Collection method: clinical testing. Allele origin: germline.
Comment: This variant has not been reported in the literature in individuals affected with IRF2BP2-related conditions. In summary, the available evidence is currently insufficient to determine the role of this variant in disease. Therefore, it has been classified as a Variant of Uncertain Significance. Algorithms developed to predict the effect of missense changes on protein structure and function are either unavailable or do not agree on the potential impact of this missense change (SIFT: "Tolerated"; PolyPhen-2: "Possibly Damaging"; Align-GVGD: "Class C0"). This variant is not present in population databases (gnomAD no frequency). This sequence change replaces asparagine, which is neutral and polar, with histidine, which is basic and polar, at codon 160 of the IRF2BP2 protein (p.Asn160His).

NM_182972.3(IRF2BP2):c.478A>C (p.Asn160His)

Genes: IRF2BP2 (interferon regulatory factor 2 binding protein 2; minus strand), LOC129932812 (ATAC-STARR-seq lymphoblastoid silent region 1977; plus strand). Cytogenetic location: 1q42.3.
Variant type: single nucleotide variant.
Coding change: c.478A>C on transcript NM_182972.3 (MANE Select); coding-DNA position 478, A replaced by C.
Protein change: p.Asn160His; replaces asparagine 160 with histidine.
Molecular consequence: missense variant.
Genome position (GRCh38, 1-based): chr1:234,609,017, T>G on the plus strand (A>C on the coding strand, the complement: IRF2BP2 is on the minus strand). VCF-style: chr1-234609017-T-G. GRCh37 (hg19) VCF-style: chr1-234744763-T-G.
Other names: c.478A>C, p.Asn160His (NM_001077397.1); short protein forms N160H.
Identifiers: ClinVar variation 2058794 (VCV002058794.4), dbSNP rs2528521721, ClinGen allele CA345310188.